The following is an entry in ClinVar:

NM_014336.5(AIPL1):c.136C>T (p.Arg46Trp)

Gene: AIPL1 (AIP like 1 HSP90 co-chaperone; minus strand). Cytogenetic location: 17p13.2.
Variant type: single nucleotide variant.
Coding change: c.136C>T on transcript NM_014336.5 (MANE Select); coding-DNA position 136, C replaced by T.
Protein change: p.Arg46Trp; replaces arginine 46 with tryptophan.
Molecular consequence: missense variant. On other transcripts: intron variant (2).
Genome position (GRCh38, 1-based): chr17:6,434,059, G>A on the plus strand (C>T on the coding strand, the complement: AIPL1 is on the minus strand). VCF-style: chr17-6434059-G-A. GRCh37 (hg19) VCF-style: chr17-6337379-G-A.
Other names: c.136C>T, p.Arg46Trp (NM_001033054.3, NM_001285401.3, NM_001285403.4); c.100C>T, p.Arg34Trp (NM_001285399.3); c.19C>T, p.Arg7Trp (NM_001285402.2); c.96+950C>T (NM_001033055.3); c.97-27C>T (NM_001285400.3); short protein forms R34W, R46W, R7W.
Identifiers: ClinVar variation 1973836 (VCV001973836.4), dbSNP rs769362312, ClinGen allele CA8328615.
Genomic context (GRCh38, chr17:6,434,059, plus strand): 5'-TGTTTCCGATGATGATGTGCATGGGCTGGCCCACCTGCCGACTGTCGTCAATGACTGTCC[G>A]CTCCTCATCACATTTCATGGTGCGGAAATGAAAGATCACCTAGTCACCGAGACGGTGCAC-3'
Protein context (NP_055151.3, residues 36-56): HFRTMKCDEE[Arg46Trp]TVIDDSRQVG

ClinVar aggregate classification (germline): Uncertain significance (1 of 4 stars; one submission).

Conditions:
Leber congenital amaurosis 4 (LCA4). Identifiers: MedGen C1858386, MONDO:0011458, OMIM 604393.

Allele frequency attached by ClinVar (database versions not stated): ExAC 0.00001.
gnomAD v4.1: 15 of 1,613,886 alleles (0.00093%); highest among the groups gnomAD compares: Admixed American, 0.005%; no homozygotes.

Submission:

Labcorp Genetics (formerly Invitae), Labcorp
Classification: Uncertain significance for Leber congenital amaurosis 4. Last evaluated: 2024-10-28. Review status: criteria provided, single submitter. Criteria: Invitae Variant Classification Sherloc (09022015). Collection method: clinical testing. Allele origin: germline.
Comment: This sequence change replaces arginine, which is basic and polar, with tryptophan, which is neutral and slightly polar, at codon 46 of the AIPL1 protein (p.Arg46Trp). This variant is present in population databases (rs769362312, gnomAD 0.006%). This variant has not been reported in the literature in individuals affected with AIPL1-related conditions. ClinVar contains an entry for this variant (Variation ID: 1973836). Invitae Evidence Modeling of protein sequence and biophysical properties (such as structural, functional, and spatial information, amino acid conservation, physicochemical variation, residue mobility, and thermodynamic stability) has been performed for this missense variant. However, the output from this modeling did not meet the statistical confidence thresholds required to predict the impact of this variant on AIPL1 protein function. In summary, the available evidence is currently insufficient to determine the role of this variant in disease. Therefore, it has been classified as a Variant of Uncertain Significance.